The following is an entry in ClinVar:

ClinVar aggregate classification (germline): Uncertain significance (1 of 4 stars; one submission).

Submission:

GeneDx
Classification: Uncertain significance. Last evaluated: 2024-05-09. Review status: criteria provided, single submitter. Criteria: GeneDx Variant Classification Process June 2021. Collection method: clinical testing. Allele origin: germline. Affected: yes.
Comment: Not observed at significant frequency in large population cohorts (gnomAD); In silico analysis supports that this missense variant has a deleterious effect on protein structure/function; Has not been previously published as pathogenic or benign to our knowledge

NM_001393504.1(MAST3):c.1274A>G (p.Lys425Arg)

Gene: MAST3 (microtubule associated serine/threonine kinase 3; plus strand). Cytogenetic location: 19p13.11.
Variant type: single nucleotide variant.
Coding change: c.1274A>G on transcript NM_001393504.1 (MANE Select); coding-DNA position 1274, A replaced by G.
Protein change: p.Lys425Arg; replaces lysine 425 with arginine.
Molecular consequence: missense variant.
Genome position (GRCh38, 1-based): chr19:18,130,544, A>G. VCF-style: chr19-18130544-A-G. GRCh37 (hg19) VCF-style: chr19-18241354-A-G.
Other names: c.1298A>G, p.Lys433Arg (NM_001393501.1); c.1277A>G, p.Lys426Arg (NM_001393502.1); c.1274A>G, p.Lys425Arg (NM_001393503.1); c.1271A>G, p.Lys424Arg (NM_001393505.1); c.1226A>G, p.Lys409Arg (NM_001393506.1, NM_001393513.1); c.1253A>G, p.Lys418Arg (NM_001393507.1); c.1208A>G, p.Lys403Arg (NM_001393508.1, NM_001393516.1); c.1205A>G, p.Lys402Arg (NM_001393509.1, NM_001393510.1, NM_001393512.1 and 2 more transcripts); and 4 more; short protein forms K387R, K395R, K396R, K401R, K402R, K403R, K409R, K418R.
Identifiers: ClinVar variation 3375573 (VCV003375573.1).